The following is an entry in ClinVar:

NM_058246.4(DNAJB6):c.928C>A (p.Gln310Lys)

Gene: DNAJB6 (DnaJ heat shock protein family (Hsp40) member B6; plus strand). Cytogenetic location: 7q36.3.
Variant type: single nucleotide variant.
Coding change: c.928C>A on transcript NM_058246.4 (MANE Select); coding-DNA position 928, C replaced by A.
Protein change: p.Gln310Lys; replaces glutamine 310 with lysine.
Molecular consequence: missense variant.
Genome position (GRCh38, 1-based): chr7:157,416,045, C>A. VCF-style: chr7-157416045-C-A. GRCh37 (hg19) VCF-style: chr7-157208739-C-A.
Other names: c.583C>A, p.Gln195Lys (NM_001363676.1); short protein forms Q310K, Q195K.
Identifiers: ClinVar variation 285593 (VCV000285593.17), dbSNP rs765886234, ClinGen allele CA4590676.

ClinVar aggregate classification (germline): Uncertain significance. Review status: criteria provided, multiple submitters, no conflicts (2 of 4 stars). 5 submissions from 5 submitters: Uncertain significance (5). Last evaluated 2026-06-01.

Conditions:
Inborn genetic diseases. Identifiers: MedGen C0950123, MeSH D030342.
Autosomal dominant limb-girdle muscular dystrophy type 1D (DNAJB6) (LGMDD1). Also called: MUSCULAR DYSTROPHY, LIMB-GIRDLE, TYPE 1D; MUSCULAR DYSTROPHY, AUTOSOMAL DOMINANT, WITH RIMMED VACUOLES; Autosomal dominant limb-girdle muscular dystrophy type 1D; Muscular dystrophy, limb-girdle, autosomal dominant 1. Identifiers: Orphanet 34516, MedGen C4721885, MONDO:0021018, OMIM 603511.

Allele frequency attached by ClinVar (database versions not stated): gnomAD exomes 0.00001; ExAC 0.00002; gnomAD 0.00003 and 0.00004.
gnomAD v4.1: 10 of 1,614,050 alleles (0.00062%); highest among the groups gnomAD compares: Admixed American, 0.01%; no homozygotes.

Submissions (5):

CeGaT Center for Human Genetics Tuebingen
Classification: Uncertain significance. Last evaluated: 2026-06-01. Review status: criteria provided, single submitter. Criteria: CeGaT Center For Human Genetics Tuebingen Variant Classification Criteria Version 2. Collection method: clinical testing. Allele origin: germline. Affected: yes. Observed: 1 variant allele.

Labcorp Genetics (formerly Invitae), Labcorp
Classification: Uncertain significance for Autosomal dominant limb-girdle muscular dystrophy type 1D (DNAJB6). Last evaluated: 2026-01-24. Review status: criteria provided, single submitter. Criteria: Invitae Variant Classification Sherloc (09022015). Collection method: clinical testing. Allele origin: germline.
Comment: This sequence change replaces glutamine, which is neutral and polar, with lysine, which is basic and polar, at codon 310 of the DNAJB6 protein (p.Gln310Lys). This variant is present in population databases (rs765886234, gnomAD 0.009%). This variant has not been reported in the literature in individuals affected with DNAJB6-related conditions. ClinVar contains an entry for this variant (Variation ID: 285593). Invitae Evidence Modeling of protein sequence and biophysical properties (such as structural, functional, and spatial information, amino acid conservation, physicochemical variation, residue mobility, and thermodynamic stability) indicates that this missense variant is not expected to disrupt DNAJB6 protein function with a negative predictive value of 95%. In summary, the available evidence is currently insufficient to determine the role of this variant in disease. Therefore, it has been classified as a Variant of Uncertain Significance.

Ambry Genetics
Classification: Uncertain significance for Inborn genetic diseases. Last evaluated: 2024-03-15. Review status: criteria provided, single submitter. Criteria: Ambry Variant Classification Scheme 2023. Collection method: clinical testing. Allele origin: germline.

GeneDx
Classification: Uncertain significance. Last evaluated: 2020-01-18. Review status: criteria provided, single submitter. Criteria: GeneDx Variant Classification Process June 2021. Collection method: clinical testing. Allele origin: germline. Affected: yes.
Comment: The majority of missense variants in this gene are considered pathogenic (Stenson et al., 2014); In silico analysis, which includes protein predictors and evolutionary conservation, supports that this variant does not alter protein structure/function; Has not been previously published as pathogenic or benign to our knowledge

Eurofins Ntd Llc (ga)
Classification: Uncertain significance. Last evaluated: 2017-09-07. Review status: criteria provided, single submitter. Criteria: EGL Classification Definitions 2015. Collection method: clinical testing. Allele origin: germline. Observed: 3 variant alleles, 3 heterozygotes.